The following is an entry in ClinVar:

NM_000548.5(TSC2):c.72G>A (p.Pro24=)

Gene: TSC2 (TSC complex subunit 2; plus strand). Cytogenetic location: 16p13.3.
Variant type: single nucleotide variant.
Coding change: c.72G>A on transcript NM_000548.5 (MANE Select); coding-DNA position 72, G replaced by A.
Protein change: p.Pro24=; no amino-acid change (proline 24 retained).
Molecular consequence: synonymous variant. On other transcripts: 5 prime UTR variant (1), intron variant (1).
Genome position (GRCh38, 1-based): chr16:2,048,687, G>A. VCF-style: chr16-2048687-G-A. GRCh37 (hg19) VCF-style: chr16-2098688-G-A.
Other names: c.72G>A, p.Pro24= (NM_001077183.3, NM_001114382.3, NM_001318827.2 and 4 more transcripts); c.-155G>A (NM_001318831.2); c.105G>A, p.Pro35= (NM_001318832.2); c.-10+622G>A (NM_001318829.2).
Identifiers: ClinVar variation 755021 (VCV000755021.14), dbSNP rs754121475, ClinGen allele CA056243.

ClinVar aggregate classification (germline): Benign/Likely benign. Review status: criteria provided, multiple submitters, no conflicts (2 of 4 stars). 5 submissions from 5 submitters: Benign (1); Likely benign (4). Last evaluated 2026-01-31.

Conditions:
Hereditary cancer-predisposing syndrome. Also called: Tumor predisposition; Hereditary Cancer Syndrome; Neoplastic Syndromes, Hereditary; Hereditary neoplastic syndrome. Identifiers: Orphanet 140162, MedGen C0027672, MeSH D009386, MONDO:0015356.
Tuberous sclerosis syndrome (TSC). Also called: Tuberous sclerosis; Tuberous Sclerosis Complex. Identifiers: Orphanet 805, MedGen C0041341, MONDO:0001734.
Tuberous sclerosis 2 (TSC2). Identifiers: Orphanet 805, MedGen C1860707, MONDO:0013199, OMIM 613254.

Allele frequency attached by ClinVar (database versions not stated): gnomAD exomes below 0.00001; ExAC 0.00001; gnomAD 0.00001; TOPMed 0.00001.
gnomAD v4.1: 7 of 1,613,900 alleles (0.00043%); highest among the groups gnomAD compares: East Asian, 0.013%; no homozygotes.

Submissions (5):

Labcorp Genetics (formerly Invitae), Labcorp
Classification: Likely benign for Tuberous sclerosis 2. Last evaluated: 2026-01-31. Review status: criteria provided, single submitter. Criteria: Invitae Variant Classification Sherloc (09022015). Collection method: clinical testing. Allele origin: germline.

Myriad Genetics, Inc.
Classification: Benign for Tuberous sclerosis 2. Last evaluated: 2025-04-30. Review status: criteria provided, single submitter. Criteria: Myriad Autosomal Dominant, Autosomal Recessive and X-Linked Classification Criteria (2023). Collection method: clinical testing. Allele origin: unknown.
Comment: This variant is considered benign. This variant is a silent/synonymous amino acid change and it is not expected to impact splicing.

All of Us Research Program, National Institutes of Health
Classification: Likely benign for Tuberous sclerosis syndrome. Last evaluated: 2024-07-10. Review status: criteria provided, single submitter. Criteria: ACMG Guidelines, 2015. Collection method: clinical testing. Allele origin: germline. Inheritance: Autosomal dominant inheritance. Observed: 1 variant allele, 1 heterozygote.
Comment: This study involves interpretation of variants in research participants for the purpose of population health screening. Participant phenotype was not available at the time of variant classification. Additional details can be found in publication PMID: 35346344, PMCID: PMC8962531

Color Diagnostics, LLC DBA Color Health
Classification: Likely benign for Tuberous sclerosis syndrome. Last evaluated: 2024-06-11. Review status: criteria provided, single submitter. Criteria: ACMG Guidelines, 2015. Collection method: clinical testing. Allele origin: germline.

Ambry Genetics
Classification: Likely benign for Hereditary cancer-predisposing syndrome. Last evaluated: 2019-10-29. Review status: criteria provided, single submitter. Criteria: Ambry Variant Classification Scheme 2023. Collection method: clinical testing. Allele origin: germline.